The following is an entry in ClinVar:

ClinVar aggregate classification (germline): Conflicting classifications of pathogenicity. Review status: criteria provided, conflicting classifications (1 of 4 stars). 6 submissions from 6 submitters: Uncertain significance (2); Benign (1); Likely benign (2). 1 of the submissions does not count toward it. Last evaluated 2026-01-15.

Conditions:
PIEZO1-related disorder. Also called: PIEZO1-related condition; PIEZO1-Related Disorders.

Allele frequency attached by ClinVar (database versions not stated): 1000 Genomes Project 0.00020; 1000 Genomes Project 30x 0.00062; TOPMed 0.00099; gnomAD exomes 0.00102; gnomAD 0.00104 and 0.00107; ExAC 0.00134.
gnomAD v4.1: 2,099 of 1,544,924 alleles (0.14%); highest among the groups gnomAD compares: South Asian, 0.2%; 5 homozygotes.

Submissions (6):

Labcorp Genetics (formerly Invitae), Labcorp
Classification: Benign. Last evaluated: 2026-01-15. Review status: criteria provided, single submitter. Criteria: Invitae Variant Classification Sherloc (09022015). Collection method: clinical testing. Allele origin: germline.

Mayo Clinic Laboratories, Mayo Clinic
Classification: Uncertain significance. Last evaluated: 2025-12-02. Review status: criteria provided, single submitter. Criteria: ACMG Guidelines, 2015. Collection method: clinical testing. Allele origin: germline. Observed: 7 variant alleles.

CeGaT Center for Human Genetics Tuebingen
Classification: Likely benign. Last evaluated: 2025-11-01. Review status: criteria provided, single submitter. Criteria: CeGaT Center For Human Genetics Tuebingen Variant Classification Criteria Version 2. Collection method: clinical testing. Allele origin: germline. Affected: yes. Observed: 6 variant alleles.
Comment: PIEZO1: BS2

ARUP Laboratories, Molecular Genetics and Genomics, ARUP Laboratories
Classification: Likely benign. Last evaluated: 2025-01-18. Review status: criteria provided, single submitter. Criteria: ARUP Molecular Germline Variant Investigation Process 2024. Collection method: clinical testing. Allele origin: germline.

Blueprint Genetics
Classification: Uncertain significance. Last evaluated: 2024-11-08. Review status: criteria provided, single submitter. Criteria: ACMG Guidelines, 2015. Collection method: clinical testing. Allele origin: germline.

PreventionGenetics, part of Exact Sciences
Classification: Likely benign for PIEZO1-related condition. Last evaluated: 2024-04-18. Review status: no assertion criteria provided. Collection method: clinical testing. Allele origin: germline. Not counted in ClinVar's aggregate classification.
Comment: This variant is classified as likely benign based on ACMG/AMP sequence variant interpretation guidelines (Richards et al. 2015 PMID: 25741868, with internal and published modifications).

Literature cited by the submitters: PubMed 39400415 (cited by Mayo Clinic Laboratories, Mayo Clinic).

NM_001142864.4(PIEZO1):c.2815C>A (p.Leu939Met)

Genes: HSALR1 (HSP90AB1 associated lncRNA 1; plus strand), PIEZO1 (piezo type mechanosensitive ion channel component 1 (Er blood group); minus strand). Cytogenetic location: 16q24.3.
Variant type: single nucleotide variant.
Coding change: c.2815C>A on transcript NM_001142864.4 (MANE Select); coding-DNA position 2815, C replaced by A.
Protein change: p.Leu939Met; replaces leucine 939 with methionine.
Molecular consequence: missense variant.
Genome position (GRCh38, 1-based): chr16:88,732,511, G>T on the plus strand (C>A on the coding strand, the complement: PIEZO1 is on the minus strand). VCF-style: chr16-88732511-G-T. GRCh37 (hg19) VCF-style: chr16-88798919-G-T.
Other names: c.2815C>A (NM_001142864.3); short protein forms L939M.
Identifiers: ClinVar variation 993411 (VCV000993411.46), dbSNP rs201226914, ClinGen allele CA8232696.